The following is an entry in ClinVar:

NM_003119.4(SPG7):c.1995T>G (p.Phe665Leu)

Gene: SPG7 (SPG7 matrix AAA peptidase subunit, paraplegin; plus strand). Cytogenetic location: 16q24.3.
Variant type: single nucleotide variant.
Coding change: c.1995T>G on transcript NM_003119.4 (MANE Select); coding-DNA position 1995, T replaced by G.
Protein change: p.Phe665Leu; replaces phenylalanine 665 with leucine.
Molecular consequence: missense variant.
Genome position (GRCh38, 1-based): chr16:89,553,852, T>G. VCF-style: chr16-89553852-T-G. GRCh37 (hg19) VCF-style: chr16-89620260-T-G.
Other names: c.1995T>G, p.Phe665Leu (NM_001363850.1); short protein forms F665L.
Identifiers: ClinVar variation 4536399 (VCV004536399.2).

ClinVar aggregate classification (germline): Uncertain significance. Review status: criteria provided, multiple submitters, no conflicts (2 of 4 stars). 2 submissions from 2 submitters: Uncertain significance (2). Last evaluated 2025-06-02.

Conditions:
Hereditary spastic paraplegia 7 (SPG7). Also called: Spastic paraplegia 7; Hereditary spastic paraplegia Paraplegin type; Autosomal recessive spastic paraplegia type 7; SPASTIC PARAPLEGIA 7, AUTOSOMAL RECESSIVE, WITH OR WITHOUT CEREBELLAR ATAXIA; SPG7-related neurologic disorder. Identifiers: Orphanet 99013, MedGen C1846564, MONDO:0011803, OMIM 607259.

gnomAD v4.1: 13 of 1,613,536 alleles (0.00081%); highest among the groups gnomAD compares: Non-Finnish European, 0.0011%; no homozygotes.

Submissions (2):

GeneDx
Classification: Uncertain significance. Last evaluated: 2025-06-02. Review status: criteria provided, single submitter. Criteria: GeneDx Variant Classification Process June 2021. Collection method: clinical testing. Allele origin: germline. Affected: yes.
Comment: Not observed at significant frequency in large population cohorts (gnomAD); In silico analysis supports that this missense variant has a deleterious effect on protein structure/function; Has not been previously published as pathogenic or benign to our knowledge; This variant is associated with the following publications: (PMID: 22571692)

Labcorp Genetics (formerly Invitae), Labcorp
Classification: Uncertain significance for Hereditary spastic paraplegia 7. Last evaluated: 2025-02-06. Review status: criteria provided, single submitter. Criteria: Invitae Variant Classification Sherloc (09022015). Collection method: clinical testing. Allele origin: germline.
Comment: This sequence change replaces phenylalanine, which is neutral and non-polar, with leucine, which is neutral and non-polar, at codon 665 of the SPG7 protein (p.Phe665Leu). This variant is not present in population databases (gnomAD no frequency). This variant has not been reported in the literature in individuals affected with SPG7-related conditions. Invitae Evidence Modeling of protein sequence and biophysical properties (such as structural, functional, and spatial information, amino acid conservation, physicochemical variation, residue mobility, and thermodynamic stability) indicates that this missense variant is not expected to disrupt SPG7 protein function with a negative predictive value of 80%. In summary, the available evidence is currently insufficient to determine the role of this variant in disease. Therefore, it has been classified as a Variant of Uncertain Significance.